The following is an entry in ClinVar:

NM_000538.4(RFXAP):c.455A>G (p.Gln152Arg)

Genes: RFXAP (regulatory factor X associated protein; plus strand), LOC130009575 (ATAC-STARR-seq lymphoblastoid active region 7590; plus strand). Cytogenetic location: 13q13.3.
Variant type: single nucleotide variant.
Coding change: c.455A>G on transcript NM_000538.4 (MANE Select); coding-DNA position 455, A replaced by G.
Protein change: p.Gln152Arg; replaces glutamine 152 with arginine.
Molecular consequence: missense variant.
Genome position (GRCh38, 1-based): chr13:36,819,812, A>G. VCF-style: chr13-36819812-A-G. GRCh37 (hg19) VCF-style: chr13-37393949-A-G.
Other names: short protein forms Q152R.
Identifiers: ClinVar variation 658877 (VCV000658877.8), dbSNP rs373832619, ClinGen allele CA6950216.

ClinVar aggregate classification (germline): Uncertain significance. Review status: criteria provided, multiple submitters, no conflicts (2 of 4 stars). 2 submissions from 2 submitters: Uncertain significance (2). Last evaluated 2023-07-25.

Conditions:
MHC class II deficiency. Also called: Bare lymphocyte syndrome 2; BLS, TYPE II. Identifiers: Orphanet 572, MedGen C5447452, MONDO:0008855.

Allele frequency attached by ClinVar (database versions not stated): gnomAD 0.00001; gnomAD exomes 0.00001; TOPMed 0.00002; ExAC 0.00005; ESP Exome Variant Server 0.00008.
gnomAD v4.1: 19 of 1,597,086 alleles (0.0012%); highest among the groups gnomAD compares: Non-Finnish European, 0.0015%; 1 homozygote.

Submissions (2):

Ambry Genetics
Classification: Uncertain significance. Last evaluated: 2023-07-25. Review status: criteria provided, single submitter. Criteria: Ambry Variant Classification Scheme 2023. Collection method: clinical testing. Allele origin: germline.

Labcorp Genetics (formerly Invitae), Labcorp
Classification: Uncertain significance for MHC class II deficiency. Last evaluated: 2021-09-01. Review status: criteria provided, single submitter. Criteria: Invitae Variant Classification Sherloc (09022015). Collection method: clinical testing. Allele origin: germline.
Comment: This sequence change replaces glutamine with arginine at codon 152 of the RFXAP protein (p.Gln152Arg). The glutamine residue is highly conserved and there is a small physicochemical difference between glutamine and arginine. This variant is present in population databases (rs373832619, ExAC 0.01%). This variant has not been reported in the literature in individuals affected with RFXAP-related conditions. Algorithms developed to predict the effect of missense changes on protein structure and function (SIFT, PolyPhen-2, Align-GVGD) all suggest that this variant is likely to be disruptive. In summary, the available evidence is currently insufficient to determine the role of this variant in disease. Therefore, it has been classified as a Variant of Uncertain Significance.